The following is an entry in ClinVar:

ClinVar aggregate classification (germline): Pathogenic (1 of 4 stars; one submission).

Conditions:
Hereditary cancer-predisposing syndrome. Also called: Neoplastic Syndromes, Hereditary; Tumor predisposition; Hereditary Cancer Syndrome; Hereditary neoplastic syndrome. Identifiers: Orphanet 140162, MedGen C0027672, MeSH D009386, MONDO:0015356.
Cardiovascular phenotype. Identifiers: MedGen CN230736.

Submission:

Ambry Genetics
Classification: Pathogenic for Cardiovascular phenotype; Hereditary cancer-predisposing syndrome. Last evaluated: 2018-12-05. Review status: criteria provided, single submitter. Criteria: Ambry Variant Classification Scheme 2023. Collection method: clinical testing. Allele origin: germline.
Comment: The c.2429_2493del65 pathogenic mutation, located in coding exon 21 of the NF1 gene, results from a deletion of 65 nucleotides at nucleotide positions 2429 to 2493, causing a translational frameshift with a predicted alternate stop codon (p.K810Rfs*33). This alteration is expected to result in loss of function by premature protein truncation or nonsense-mediated mRNA decay. As such, this alteration is interpreted as a disease-causing mutation.

NM_001042492.3(NF1):c.2429_2493del (p.Lys810fs)

Gene: NF1 (neurofibromin 1; plus strand). Cytogenetic location: 17q11.2.
Variant type: Deletion.
Coding change: c.2429_2493del on transcript NM_001042492.3 (MANE Select); coding-DNA positions 2429 to 2493, 65 bases deleted.
Protein change: p.Lys810fs; shifts the reading frame from lysine 810.
Molecular consequence: frameshift variant.
Genome position (GRCh38, 1-based): chr17:31,229,044-31,229,108, 65 bases deleted. GRCh37 (hg19): chr17:29,556,062-29,556,126.
Other names: c.2429_2493del65, p.Lys810Argfs (NM_000267.4); c.2429_2493del65 (NM_000267.3); short protein forms K810fs.
Identifiers: ClinVar variation 821257 (VCV000821257.4), dbSNP rs1597715102, ClinGen allele CA915949778.